The following is an entry in ClinVar:

ClinVar aggregate classification (germline): Uncertain significance (1 of 4 stars; one submission).

Allele frequency attached by ClinVar (database versions not stated): gnomAD exomes below 0.00001.
gnomAD v4.1: 2 of 1,613,756 alleles (0.00012%); highest among the groups gnomAD compares: South Asian, 0.0022%; no homozygotes.

Submission:

Labcorp Genetics (formerly Invitae), Labcorp
Classification: Uncertain significance. Last evaluated: 2024-10-26. Review status: criteria provided, single submitter. Criteria: Invitae Variant Classification Sherloc (09022015). Collection method: clinical testing. Allele origin: germline.
Comment: This sequence change replaces threonine, which is neutral and polar, with alanine, which is neutral and non-polar, at codon 334 of the TTLL5 protein (p.Thr334Ala). This variant is present in population databases (no rsID available, gnomAD 0.003%). This variant has not been reported in the literature in individuals affected with TTLL5-related conditions. ClinVar contains an entry for this variant (Variation ID: 2066840). Invitae Evidence Modeling of protein sequence and biophysical properties (such as structural, functional, and spatial information, amino acid conservation, physicochemical variation, residue mobility, and thermodynamic stability) indicates that this missense variant is not expected to disrupt TTLL5 protein function with a negative predictive value of 80%. In summary, the available evidence is currently insufficient to determine the role of this variant in disease. Therefore, it has been classified as a Variant of Uncertain Significance.

NM_015072.5(TTLL5):c.1000A>G (p.Thr334Ala)

Gene: TTLL5 (tubulin tyrosine ligase like 5; plus strand). Cytogenetic location: 14q24.3.
Variant type: single nucleotide variant.
Coding change: c.1000A>G on transcript NM_015072.5 (MANE Select); coding-DNA position 1000, A replaced by G.
Protein change: p.Thr334Ala; replaces threonine 334 with alanine.
Molecular consequence: missense variant.
Genome position (GRCh38, 1-based): chr14:75,720,661, A>G. VCF-style: chr14-75720661-A-G. GRCh37 (hg19) VCF-style: chr14-76187004-A-G.
Other names: short protein forms T334A.
Identifiers: ClinVar variation 2066840 (VCV002066840.4), dbSNP rs1340502181, ClinGen allele CA390458801.